The following is an entry in ClinVar:

ClinVar aggregate classification (germline): Uncertain significance (1 of 4 stars; one submission).

Submission:

Labcorp Genetics (formerly Invitae), Labcorp
Classification: Uncertain significance. Last evaluated: 2023-06-03. Review status: criteria provided, single submitter. Criteria: Invitae Variant Classification Sherloc (09022015). Collection method: clinical testing. Allele origin: germline.
Comment: This sequence change replaces threonine, which is neutral and polar, with asparagine, which is neutral and polar, at codon 411 of the FLI1 protein (p.Thr411Asn). This variant is not present in population databases (gnomAD no frequency). This variant has not been reported in the literature in individuals affected with FLI1-related conditions. Advanced modeling of protein sequence and biophysical properties (such as structural, functional, and spatial information, amino acid conservation, physicochemical variation, residue mobility, and thermodynamic stability) performed at Invitae indicates that this missense variant is not expected to disrupt FLI1 protein function. In summary, the available evidence is currently insufficient to determine the role of this variant in disease. Therefore, it has been classified as a Variant of Uncertain Significance.

NM_002017.5(FLI1):c.1232C>A (p.Thr411Asn)

Gene: FLI1 (Fli-1 proto-oncogene, ETS transcription factor; plus strand). Cytogenetic location: 11q24.3.
Variant type: single nucleotide variant.
Coding change: c.1232C>A on transcript NM_002017.5 (MANE Select); coding-DNA position 1232, C replaced by A.
Protein change: p.Thr411Asn; replaces threonine 411 with asparagine.
Molecular consequence: missense variant.
Genome position (GRCh38, 1-based): chr11:128,810,861, C>A. VCF-style: chr11-128810861-C-A. GRCh37 (hg19) VCF-style: chr11-128680756-C-A.
Other names: c.1133C>A, p.Thr378Asn (NM_001167681.3); c.1034C>A, p.Thr345Asn (NM_001271010.2); c.653C>A, p.Thr218Asn (NM_001271012.2); short protein forms T345N, T378N, T218N, T411N.
Identifiers: ClinVar variation 2815611 (VCV002815611.3), dbSNP rs768685480, ClinGen allele CA383239341.